The following is an entry in ClinVar:

ClinVar aggregate classification (germline): Pathogenic. Review status: criteria provided, multiple submitters, no conflicts (2 of 4 stars). 2 submissions from 2 submitters: Pathogenic (2). Last evaluated 2023-05-20.

Conditions:
Autosomal recessive nonsyndromic hearing loss 77. Identifiers: Orphanet 90636, MedGen C2746083, MONDO:0013119, OMIM 613079.

Allele frequency attached by ClinVar (database versions not stated): gnomAD 0.00002 and 0.00003; TOPMed 0.00002; 1000 Genomes Project 30x 0.00016.

Submissions (2):

Labcorp Genetics (formerly Invitae), Labcorp
Classification: Pathogenic. Last evaluated: 2023-05-20. Review status: criteria provided, single submitter. Criteria: Invitae Variant Classification Sherloc (09022015). Collection method: clinical testing. Allele origin: germline.
Comment: For these reasons, this variant has been classified as Pathogenic. ClinVar contains an entry for this variant (Variation ID: 1076810). This variant has not been reported in the literature in individuals affected with LOXHD1-related conditions. This variant is present in population databases (no rsID available, gnomAD 0.01%). This sequence change creates a premature translational stop signal (p.Gln253*) in the LOXHD1 gene. It is expected to result in an absent or disrupted protein product. Loss-of-function variants in LOXHD1 are known to be pathogenic (PMID: 19732867, 21465660, 25792669).

King Laboratory, University of Washington
Classification: Pathogenic for Autosomal recessive nonsyndromic hearing loss 77. Last evaluated: 2023-02-28. Review status: criteria provided, single submitter. Criteria: Li et al. (Genet Med. 2022). Collection method: research. Allele origin: unknown. Affected: yes.
Comment: This variant occurred in compound heterozygosity with a LOXHD1 missense variant in a patient with bilateral sensorineural hearing loss of onset <18 years, in a study of pediatric hearing loss conducted by the King Laboratory (Carlson RJ et al. JAMA-OtoHNS 2023). This variant is a nonsense that leads to a premature stop at codon 2140 of the 3354-amino acid LOXHD1 protein. As of January 2023, this variant has been reported to ClinVar as pathogenic and is not found on gnomAD. Based on the prediction that this variant leads to a truncated protein and goodness of fit of genotype to phenotype, we conclude that this variant is pathogenic.

Literature cited by the submitters: PubMed 19732867 (cited by Labcorp Genetics (formerly Invitae), Labcorp); PubMed 21465660 (cited by Labcorp Genetics (formerly Invitae), Labcorp); PubMed 25792669 (cited by Labcorp Genetics (formerly Invitae), Labcorp); PubMed 36633841 (cited by King Laboratory, University of Washington).

NM_001384474.1(LOXHD1):c.757C>T (p.Gln253Ter)

Gene: LOXHD1 (lipoxygenase homology PLAT domains 1; minus strand). Cytogenetic location: 18q21.1.
Variant type: single nucleotide variant.
Coding change: c.757C>T on transcript NM_001384474.1 (MANE Select); coding-DNA position 757, C replaced by T.
Protein change: p.Gln253Ter; replaces glutamine 253 with a stop codon.
Molecular consequence: nonsense.
Genome position (GRCh38, 1-based): chr18:46,610,778, G>A on the plus strand (C>T on the coding strand, the complement: LOXHD1 is on the minus strand). VCF-style: chr18-46610778-G-A. GRCh37 (hg19) VCF-style: chr18-44190741-G-A.
Other names: c.757C>T, p.Gln253Ter (NM_144612.7); short protein forms Q253*.
Identifiers: ClinVar variation 1076810 (VCV001076810.10), dbSNP rs909435840, ClinGen allele CA299807222.